The following is an entry in ClinVar:

ClinVar aggregate classification (germline): Uncertain significance (1 of 4 stars; one submission).

Submission:

Laboratory for Molecular Medicine, Mass General Brigham Personalized Medicine
Classification: Uncertain significance. Last evaluated: 2015-06-23. Review status: criteria provided, single submitter. Criteria: LMM Criteria. Collection method: clinical testing. Allele origin: germline. Observed: 1 variant allele.
Comment: The p.Gln5Arg variant in PLN has not been previously reported in individuals wit h cardiomyopathy or in large population studies. Computational prediction tools and conservation analysis do not provide strong support for or against an impact to the protein. In summary, the clinical significance of the p.Gln5Arg variant is uncertain.

NM_002667.5(PLN):c.14A>G (p.Gln5Arg)

Genes: CEP85L (centrosomal protein 85 like; minus strand), PLN (phospholamban; plus strand). Cytogenetic location: 6q22.31.
Variant type: single nucleotide variant.
Coding change: c.14A>G on transcript NM_002667.5 (MANE Select); coding-DNA position 14, A replaced by G.
Protein change: p.Gln5Arg; replaces glutamine 5 with arginine.
Molecular consequence: missense variant. On other transcripts: intron variant (3).
Genome position (GRCh38, 1-based): chr6:118,558,935, A>G. VCF-style: chr6-118558935-A-G. GRCh37 (hg19) VCF-style: chr6-118880098-A-G.
Other names: c.1029+6594T>C (NM_001178035.2); c.1020+6594T>C (NM_001042475.3, NM_206921.3); short protein forms Q5R.
Identifiers: ClinVar variation 229152 (VCV000229152.5), dbSNP rs876657954, ClinGen allele CA10576677.
Genomic context (GRCh38, chr6:118,558,935, plus strand): 5'-TTTCTCTCGACCACTTAAAACTTCAGACTTCCTGTCCTGCTGGTATCATGGAGAAAGTCC[A>G]ATACCTCACTCGCTCAGCTATAAGAAGAGCCTCAACCATTGAAATGCCTCAACAAGCACG-3'
Protein context (NP_002658.1, residues 1-15): MEKV[Gln5Arg]YLTRSAIRRA